The following is an entry in ClinVar:

ClinVar aggregate classification (germline): Uncertain significance (1 of 4 stars; one submission).

gnomAD v4.1: 1 of 1,266,668 alleles (0.000079%); highest among the groups gnomAD compares: South Asian, 0.0028%; no homozygotes.

Submission:

Labcorp Genetics (formerly Invitae), Labcorp
Classification: Uncertain significance. Last evaluated: 2025-12-27. Review status: criteria provided, single submitter. Criteria: Invitae Variant Classification Sherloc (09022015). Collection method: clinical testing. Allele origin: germline.
Comment: This sequence change replaces alanine, which is neutral and non-polar, with serine, which is neutral and polar, at codon 26 of the SLC12A2 protein (p.Ala26Ser). This variant is not present in population databases (gnomAD no frequency). This variant has not been reported in the literature in individuals affected with SLC12A2-related conditions. Invitae Evidence Modeling of protein sequence and biophysical properties (such as structural, functional, and spatial information, amino acid conservation, physicochemical variation, residue mobility, and thermodynamic stability) indicates that this missense variant is not expected to disrupt SLC12A2 protein function with a negative predictive value of 95%. In summary, the available evidence is currently insufficient to determine the role of this variant in disease. Therefore, it has been classified as a Variant of Uncertain Significance.

NM_001046.3(SLC12A2):c.76G>T (p.Ala26Ser)

Genes: SLC12A2 (solute carrier family 12 member 2; plus strand), LOC129994526 (ATAC-STARR-seq lymphoblastoid silent region 16295; plus strand). Cytogenetic location: 5q23.3.
Variant type: single nucleotide variant.
Coding change: c.76G>T on transcript NM_001046.3 (MANE Select); coding-DNA position 76, G replaced by T.
Protein change: p.Ala26Ser; replaces alanine 26 with serine.
Molecular consequence: missense variant. On other transcripts: non-coding transcript variant (1).
Genome position (GRCh38, 1-based): chr5:128,084,030, G>T. VCF-style: chr5-128084030-G-T. GRCh37 (hg19) VCF-style: chr5-127419722-G-T.
Other names: c.76G>T, p.Ala26Ser (NM_001256461.2); short protein forms A26S.
Identifiers: ClinVar variation 4778929 (VCV004778929.1).